The following is an entry in ClinVar:

NM_001098612.3(SIGLEC14):c.515C>T (p.Ala172Val)

Gene: SIGLEC14 (sialic acid binding Ig like lectin 14; minus strand). Cytogenetic location: 19q13.41.
Variant type: single nucleotide variant.
Coding change: c.515C>T on transcript NM_001098612.3 (MANE Select); coding-DNA position 515, C replaced by T.
Protein change: p.Ala172Val; replaces alanine 172 with valine.
Molecular consequence: missense variant.
Genome position (GRCh38, 1-based): chr19:51,645,967, G>A on the plus strand (C>T on the coding strand, the complement: SIGLEC14 is on the minus strand). VCF-style: chr19-51645967-G-A. GRCh37 (hg19) VCF-style: chr19-52149220-G-A.
Other names: c.515C>T (NM_001098612.1); short protein forms A172V.
Identifiers: ClinVar variation 2650378 (VCV002650378.25), dbSNP rs779383252, ClinGen allele CA9615565.
Genomic context (GRCh38, chr19:51,645,967, plus strand): 5'-GTCTCGGGGTCCAGGGGGCTGAGGGCATTCCCCGTCCAGGAGAATGTGAGAGGTGGTCCC[G>A]CTTCACAGGATCCTGGAAGGCTGCAGCTCAGCCTTGTGGGGCGGCCGGACTCCAGAGGCT-3'
Protein context (NP_001092082.1, residues 162-182): LSCSLPGSCE[Ala172Val]GPPLTFSWTG

ClinVar aggregate classification (germline): Conflicting classifications of pathogenicity. Review status: criteria provided, conflicting classifications (1 of 4 stars). 2 submissions from 2 submitters: Uncertain significance (1); Likely benign (1). Last evaluated 2024-08-01.

Allele frequency attached by ClinVar (database versions not stated): ExAC 0.00063.

Submissions (2):

Ambry Genetics
Classification: Uncertain significance. Last evaluated: 2024-08-01. Review status: criteria provided, single submitter. Criteria: Ambry Variant Classification Scheme 2023. Collection method: clinical testing. Allele origin: germline.

CeGaT Center for Human Genetics Tuebingen
Classification: Likely benign. Last evaluated: 2023-03-01. Review status: criteria provided, single submitter. Criteria: CeGaT Center For Human Genetics Tuebingen Variant Classification Criteria Version 2. Collection method: clinical testing. Allele origin: germline. Affected: yes. Observed: 1 variant allele.
Comment: SIGLEC14: BP4, BS2